The following is an entry in ClinVar:

NM_178857.6(RP1L1):c.1555G>A (p.Gly519Ser)

Gene: RP1L1 (RP1 like 1). Cytogenetic location: 8p23.1.
Variant type: single nucleotide variant.
Coding change: c.1555G>A on transcript NM_178857.6 (MANE Select); coding-DNA position 1555, G replaced by A.
Protein change: p.Gly519Ser; replaces glycine 519 with serine.
Molecular consequence: missense variant.
Genome position (GRCh38, 1-based): chr8:10,612,543, C>T on the plus strand (G>A on the coding strand, the complement: RP1L1 is on the minus strand). VCF-style: chr8-10612543-C-T. GRCh37 (hg19) VCF-style: chr8-10470053-C-T.
Other names: short protein forms G519S.
Identifiers: ClinVar variation 361370 (VCV000361370.8), dbSNP rs775657453, ClinGen allele CA4625132.

ClinVar aggregate classification (germline): Benign/Likely benign. Review status: criteria provided, multiple submitters, no conflicts (2 of 4 stars). 4 submissions from 4 submitters: Benign (2); Likely benign (2). Last evaluated 2025-06-03.

Conditions:
Occult macular dystrophy (OCMD). Also called: OCCULT MACULAR DYSTROPHY, SUSCEPTIBILITY TO; OMD. Identifiers: Orphanet 247834, MedGen C3150833, MONDO:0013316, OMIM 613587, HP:0030636.
Retinal dystrophy. Also called: Inherited retinal dystrophy. Identifiers: Orphanet 71862, MedGen C0854723, MeSH D058499, MONDO:0019118, HP:0000556.
RP1L1-related disorder. Also called: RP1L1-related condition.

Allele frequency attached by ClinVar (database versions not stated): gnomAD 0.00010; ExAC 0.00021; TOPMed 0.00023; gnomAD exomes 0.00024.
gnomAD v4.1: 132 of 1,609,690 alleles (0.0082%); highest among the groups gnomAD compares: East Asian, 0.16%; no homozygotes.

Submissions (4):

PreventionGenetics, part of Exact Sciences
Classification: Likely benign for RP1L1-related condition. Last evaluated: 2025-06-03. Review status: criteria provided, single submitter. Criteria: ACMG Guidelines, 2015. Collection method: clinical testing. Allele origin: germline.
Comment: This variant is classified as likely benign based on ACMG/AMP sequence variant interpretation guidelines (Richards et al. 2015 PMID: 25741868, with internal and published modifications).

Blueprint Genetics
Classification: Benign. Last evaluated: 2024-09-20. Review status: criteria provided, single submitter. Criteria: ACMG Guidelines, 2015. Collection method: clinical testing. Allele origin: germline.

Dept Of Ophthalmology, Nagoya University
Classification: Likely benign for Retinal dystrophy. Last evaluated: 2023-10-01. Review status: criteria provided, single submitter. Criteria: Submitter's publication. Collection method: research. Allele origin: germline. Affected: yes.

Illumina Laboratory Services, Illumina
Classification: Benign for Occult macular dystrophy. Last evaluated: 2018-01-12. Review status: criteria provided, single submitter. Criteria: ICSL Variant Classification Criteria 13 December 2019. Collection method: clinical testing. Allele origin: germline.
Comment: This variant was observed in the ICSL laboratory as part of a predisposition screen in an ostensibly healthy population. It had not been previously curated by ICSL or reported in the Human Gene Mutation Database (HGMD: prior to June 1st, 2018), and was therefore a candidate for classification through an automated scoring system. Utilizing variant allele frequency, disease prevalence and penetrance estimates, and inheritance mode, an automated score was calculated to assess if this variant is too frequent to cause the disease. Based on the score and internal cut-off values, a variant classified as benign is not then subjected to further curation. The score for this variant resulted in a classification of benign for this disease.